The following is an entry in ClinVar:

ClinVar aggregate classification (germline): Uncertain significance (1 of 4 stars; one submission).

Conditions:
Inborn genetic diseases. Identifiers: MedGen C0950123, MeSH D030342.

gnomAD v4.1: 2 of 1,613,178 alleles (0.00012%); highest among the groups gnomAD compares: East Asian, 0.0022%; no homozygotes.

Submission:

Ambry Genetics
Classification: Uncertain significance for Inborn genetic diseases. Last evaluated: 2026-07-04. Review status: criteria provided, single submitter. Criteria: Ambry Variant Classification Scheme 2023. Collection method: clinical testing. Allele origin: germline.
Comment: The p.D201Y variant (also known as c.601G>T), located in coding exon 5 of the ELANE gene, results from a G to T substitution at nucleotide position 601. The aspartic acid at codon 201 is replaced by tyrosine, an amino acid with highly dissimilar properties. This amino acid position is conserved. In addition, this alteration is predicted to be deleterious by in silico analysis. Based on the available evidence, the clinical significance of this variant remains unclear.

NM_001972.4(ELANE):c.601G>T (p.Asp201Tyr)

Gene: ELANE (elastase, neutrophil expressed; plus strand). Cytogenetic location: 19p13.3.
Variant type: single nucleotide variant.
Coding change: c.601G>T on transcript NM_001972.4 (MANE Select); coding-DNA position 601, G replaced by T.
Protein change: p.Asp201Tyr; replaces aspartic acid 201 with tyrosine.
Molecular consequence: missense variant.
Genome position (GRCh38, 1-based): chr19:855,961, G>T. VCF-style: chr19-855961-G-T. GRCh37 (hg19) VCF-style: chr19-855961-G-T.
Other names: short protein forms D201Y.
Identifiers: ClinVar variation 5035882 (VCV005035882.1).